The following is an entry in ClinVar:

ClinVar aggregate classification (germline): Uncertain significance (1 of 4 stars; one submission).

Conditions:
Benign neonatal seizures. Also called: Benign familial neonatal seizures; Convulsions benign familial neonatal dominant form; Autosomal dominant form of benign neonatal seizures; Benign familial neonatal epilepsy; Benign neonatal familial convulsions. Identifiers: Orphanet 1949, MedGen C0220669, MONDO:0016027.

Allele frequency attached by ClinVar (database versions not stated): ExAC 0.00001; gnomAD 0.00001; gnomAD exomes 0.00001.
gnomAD v4.1: 5 of 1,614,202 alleles (0.00031%); highest among the groups gnomAD compares: African/African-American, 0.0013%; no homozygotes.

Submission:

Labcorp Genetics (formerly Invitae), Labcorp
Classification: Uncertain significance for Benign neonatal seizures. Last evaluated: 2025-07-02. Review status: criteria provided, single submitter. Criteria: Invitae Variant Classification Sherloc (09022015). Collection method: clinical testing. Allele origin: germline.
Comment: This sequence change replaces valine, which is neutral and non-polar, with methionine, which is neutral and non-polar, at codon 289 of the KCNQ3 protein (p.Val289Met). This variant is present in population databases (rs749655951, gnomAD 0.003%). This variant has not been reported in the literature in individuals affected with KCNQ3-related conditions. ClinVar contains an entry for this variant (Variation ID: 1937635). Invitae Evidence Modeling of protein sequence and biophysical properties (such as structural, functional, and spatial information, amino acid conservation, physicochemical variation, residue mobility, and thermodynamic stability) indicates that this missense variant is not expected to disrupt KCNQ3 protein function with a negative predictive value of 95%. In summary, the available evidence is currently insufficient to determine the role of this variant in disease. Therefore, it has been classified as a Variant of Uncertain Significance.

NM_004519.4(KCNQ3):c.865G>A (p.Val289Met)

Gene: KCNQ3 (potassium voltage-gated channel subfamily Q member 3; minus strand). Cytogenetic location: 8q24.22.
Variant type: single nucleotide variant.
Coding change: c.865G>A on transcript NM_004519.4 (MANE Select); coding-DNA position 865, G replaced by A.
Protein change: p.Val289Met; replaces valine 289 with methionine.
Molecular consequence: missense variant.
Genome position (GRCh38, 1-based): chr8:132,175,521, C>T on the plus strand (G>A on the coding strand, the complement: KCNQ3 is on the minus strand). VCF-style: chr8-132175521-C-T. GRCh37 (hg19) VCF-style: chr8-133187768-C-T.
Other names: c.505G>A, p.Val169Met (NM_001204824.2); short protein forms V289M, V169M.
Identifiers: ClinVar variation 1937635 (VCV001937635.5), dbSNP rs749655951, ClinGen allele CA4880824.